The following is an entry in ClinVar:

ClinVar aggregate classification (germline): Uncertain significance (1 of 4 stars; one submission).

Conditions:
Primary ciliary dyskinesia. Also called: Ciliary dyskinesia. Identifiers: Orphanet 244, MedGen C0008780, MONDO:0016575, HP:0012265.

Submission:

Ambry Genetics
Classification: Uncertain significance for Primary ciliary dyskinesia. Last evaluated: 2025-06-30. Review status: criteria provided, single submitter. Criteria: Ambry Variant Classification Scheme 2023. Collection method: clinical testing. Allele origin: germline.
Comment: The p.R50Q variant (also known as c.149G>A), located in coding exon 1 of the DNAAF2 gene, results from a G to A substitution at nucleotide position 149. The arginine at codon 50 is replaced by glutamine, an amino acid with highly similar properties. This amino acid position is conserved. In addition, this alteration is predicted to be tolerated by in silico analysis. Based on the available evidence, the clinical significance of this variant remains unclear.

NM_018139.3(DNAAF2):c.149G>A (p.Arg50Gln)

Gene: DNAAF2 (dynein axonemal assembly factor 2; minus strand). Cytogenetic location: 14q21.3.
Variant type: single nucleotide variant.
Coding change: c.149G>A on transcript NM_018139.3 (MANE Select); coding-DNA position 149, G replaced by A.
Protein change: p.Arg50Gln; replaces arginine 50 with glutamine.
Molecular consequence: missense variant.
Genome position (GRCh38, 1-based): chr14:49,635,001, C>T on the plus strand (G>A on the coding strand, the complement: DNAAF2 is on the minus strand). VCF-style: chr14-49635001-C-T. GRCh37 (hg19) VCF-style: chr14-50101719-C-T.
Other names: c.149G>A, p.Arg50Gln (NM_001083908.2); short protein forms R50Q.
Identifiers: ClinVar variation 4241748 (VCV004241748.1).